The following is an entry in ClinVar:

ClinVar aggregate classification (germline): Likely benign (1 of 4 stars; one submission).

Submission:

CeGaT Center for Human Genetics Tuebingen
Classification: Likely benign. Last evaluated: 2022-10-01. Review status: criteria provided, single submitter. Criteria: CeGaT Center For Human Genetics Tuebingen Variant Classification Criteria Version 2. Collection method: clinical testing. Allele origin: germline. Affected: yes. Observed: 1 variant allele.
Comment: CHD9: PM2:Supporting, BP4, BP7

NM_001308319.2(CHD9):c.4695A>T (p.Thr1565=)

Gene: CHD9 (chromodomain helicase DNA binding protein 9; plus strand). Cytogenetic location: 16q12.2.
Variant type: single nucleotide variant.
Coding change: c.4695A>T on transcript NM_001308319.2 (MANE Select); coding-DNA position 4695, A replaced by T.
Protein change: p.Thr1565=; no amino-acid change (threonine 1565 retained).
Molecular consequence: synonymous variant.
Genome position (GRCh38, 1-based): chr16:53,268,104, A>T. VCF-style: chr16-53268104-A-T. GRCh37 (hg19) VCF-style: chr16-53302016-A-T.
Other names: c.4695A>T, p.Thr1565= (NM_001352127.3, NM_001382353.1, NM_025134.7); c.3273A>T, p.Thr1091= (NM_001352156.3, NM_001352157.3); c.3174A>T, p.Thr1058= (NM_001352158.3, NM_001382354.1, NM_001382355.1).
Identifiers: ClinVar variation 2646533 (VCV002646533.24), dbSNP rs2544062942, ClinGen allele CA495505260.
Genomic context (GRCh38, chr16:53,268,104, plus strand): 5'-AGATGAGAAGATTAAAGGTTTCATATGGGATCTCATTACTCCAACTGAAGATGGACAGAC[A>T]CGAGAGCTACAGAATCATCTAGGTAAGAACATTGTTTCATTTGCTTTTAAAATTTATTTT-3'
Protein context (NP_001295248.1, residues 1555-1575): DLITPTEDGQ[Thr1565=]RELQNHLGLS